The following is an entry in ClinVar:

NM_001100.4(ACTA1):c.130G>T (p.Gly44Cys)

Gene: ACTA1 (actin alpha 1, skeletal muscle; minus strand). Cytogenetic location: 1q42.13.
Variant type: single nucleotide variant.
Coding change: c.130G>T on transcript NM_001100.4 (MANE Select); coding-DNA position 130, G replaced by T.
Protein change: p.Gly44Cys; replaces glycine 44 with cysteine.
Molecular consequence: missense variant.
Genome position (GRCh38, 1-based): chr1:229,432,880, C>A on the plus strand (G>T on the coding strand, the complement: ACTA1 is on the minus strand). VCF-style: chr1-229432880-C-A. GRCh37 (hg19) VCF-style: chr1-229568627-C-A.
Other names: NM_001100.4(ACTA1):c.130G>T; p.Gly44Cys; short protein forms G44C.
Identifiers: ClinVar variation 430393 (VCV000430393.8), dbSNP rs1131691941, ClinGen allele CA345151090.

ClinVar aggregate classification (germline): Uncertain significance. Review status: reviewed by expert panel (3 of 4 stars). 4 submissions from 4 submitters: Uncertain significance (1). 3 of the submissions do not count toward it. Last evaluated 2024-09-09.

Conditions:
Alpha-actinopathy. Also called: Actinopathy. Identifiers: MedGen CN295279, MONDO:0100084.
Actin accumulation myopathy (CMYO2A). Also called: CONGENITAL MYOPATHY 2A, TYPICAL, AUTOSOMAL DOMINANT; Nemaline myopathy type 3; Myopathy, actin, congenital, with excess of thin myofilaments; Myopathy, actin, congenital, with cores; Nemaline myopathy 3, with intranuclear rods. Identifiers: Orphanet 98904, MedGen C3711389, MONDO:0008070, OMIM 161800.

Submissions (4):

ClinGen Congenital Myopathies Variant Curation Expert Panel, ClinGen
Classification: Uncertain significance for Alpha-actinopathy. Last evaluated: 2024-09-09. Review status: reviewed by expert panel. Criteria: ClinGen CongenMyopathy ACMG Specifications ACTA1_AD_ V2.0.0. Collection method: curation. Allele origin: germline. Inheritance: Autosomal dominant inheritance.
Comment: The NM_001100.4:c.130G>T variant in ACTA1 is a missense variant predicted to cause substitution of glycine by cysteine at amino acid 44 (p.Gly44Cys). The variant is absent from gnomAD v4.1.0 meeting PM2_Supporting. The REVEL computational prediction analysis tool gives a score of 0.819, which is above the threshold necessary to apply PP3. ACTA1, in which the variant was identified, is defined by the ClinGen Congenital Myopathies VCEP as a gene that has a low rate of benign missense variation and where pathogenic missense variants are a common mechanism of disease. The Z-score in gnomAD v4.1 is 4.53 (PP2). This variant has been reported in at least two probands with neuromuscular features which meets the criteria for PS4_Supporting (Labcorp Genetics, GeneDx, ClinVar: SCV003514647.2, SCV000583187.4). Additionally, this variant was reported in a proband with an alternative cause for disease (a pathogenic variant in RYR1 reported) (BP5, Labcorp Genetics, ClinVar: SCV003514647.2). In summary, the variant meets the criteria to be classified as a variant of uncertain significance for autosomal dominant alpha-actinopathy. ACMG/AMP criteria met, as specified by the ClinGen Congenital Myopathies VCEP: PS4_Supporting, PM2_Supporting, PP2, PP3, BP5 (ClinGen Congenital Myopathies VCEP specifications version 2.0.0; 9/9/2024).

The Genetics Institute, Rambam Health Care Campus
Classification: Uncertain significance for Actin accumulation myopathy. Last evaluated: 2025-10-21. Review status: criteria provided, single submitter. Criteria: ACMG Guidelines, 2015. Collection method: clinical testing. Allele origin: unknown. Affected: yes. Not counted in ClinVar's aggregate classification.
Comment: This is a missense variant that results in substitution of the amino acid glycine with cysteine, which differs substantially in its physicochemical properties. in silico prediction tools, predict variant to affect protein function (REVEL = 0.82).

Labcorp Genetics (formerly Invitae), Labcorp
Classification: Uncertain significance for Actin accumulation myopathy. Last evaluated: 2023-11-28. Review status: criteria provided, single submitter. Criteria: Invitae Variant Classification Sherloc (09022015). Collection method: clinical testing. Allele origin: germline. Not counted in ClinVar's aggregate classification.
Comment: This sequence change replaces glycine, which is neutral and non-polar, with cysteine, which is neutral and slightly polar, at codon 44 of the ACTA1 protein (p.Gly44Cys). This variant is not present in population databases (gnomAD no frequency). This variant has not been reported in the literature in individuals affected with ACTA1-related conditions. ClinVar contains an entry for this variant (Variation ID: 430393). An algorithm developed to predict the effect of missense changes on protein structure and function (PolyPhen-2) suggests that this variant is likely to be tolerated. In summary, the available evidence is currently insufficient to determine the role of this variant in disease. Therefore, it has been classified as a Variant of Uncertain Significance.

GeneDx
Classification: Likely pathogenic. Last evaluated: 2018-11-06. Review status: criteria provided, single submitter. Criteria: GeneDx Variant Classification (06012015). Collection method: clinical testing. Allele origin: germline. Affected: yes. Not counted in ClinVar's aggregate classification.
Comment: The G44C variant in the ACTA1 gene has not been published as a pathogenic variant, nor has it been reported as a benign polymorphism to our knowledge. The G44C variant was not observed in approximately 6500 individuals of European and African American ancestry in the NHLBI Exome Sequencing Project, indicating it is not a common benign variant in these populations. The G44C variant is a non-conservative amino acid substitution, which occurs at a position that is conserved across species. In silico analysis is inconsistent in its predictions as to whether or not the variant is damaging to the protein structure/function. Missense variants in the same and nearby residues (P40L, H42Y, Q43R, G44V, V45F, M46T) have been reported in the Human Gene Mutation Database in association with nemaline myopathy (Stenson et al., 2014), supporting the functional importance of this region of the protein. The G44C variant is a strong candidate for a pathogenic variant, however the possibility it may be a rare benign variant cannot be excluded.